The following is an entry in ClinVar:

ClinVar aggregate classification (germline): Uncertain significance. Review status: criteria provided, multiple submitters, no conflicts (2 of 4 stars). 2 submissions from 2 submitters: Uncertain significance (2). Last evaluated 2022-08-17.

Conditions:
Emery-Dreifuss muscular dystrophy 5, autosomal dominant (EDMD5). Also called: EMERY-DREIFUSS MUSCULAR DYSTROPHY 5. Identifiers: Orphanet 261, MedGen C2751805, MONDO:0013072, OMIM 612999.

gnomAD v4.1: 8 of 1,614,230 alleles (0.0005%); highest among the groups gnomAD compares: Non-Finnish European, 0.00068%; no homozygotes.

Submissions (2):

Ambry Genetics
Classification: Uncertain significance. Last evaluated: 2022-08-17. Review status: criteria provided, single submitter. Criteria: Ambry Variant Classification Scheme 2023. Collection method: clinical testing. Allele origin: germline.

Labcorp Genetics (formerly Invitae), Labcorp
Classification: Uncertain significance for Emery-Dreifuss muscular dystrophy 5, autosomal dominant. Last evaluated: 2022-08-17. Review status: criteria provided, single submitter. Criteria: Invitae Variant Classification Sherloc (09022015). Collection method: clinical testing. Allele origin: germline.
Comment: This sequence change replaces glutamic acid, which is acidic and polar, with lysine, which is basic and polar, at codon 6132 of the SYNE2 protein (p.Glu6132Lys). This variant is not present in population databases (gnomAD no frequency). This variant has not been reported in the literature in individuals affected with SYNE2-related conditions. Algorithms developed to predict the effect of missense changes on protein structure and function are either unavailable or do not agree on the potential impact of this missense change (SIFT: "Tolerated"; PolyPhen-2: "Possibly Damaging"; Align-GVGD: "Class C0"). In summary, the available evidence is currently insufficient to determine the role of this variant in disease. Therefore, it has been classified as a Variant of Uncertain Significance.

NM_182914.3(SYNE2):c.18394G>A (p.Glu6132Lys)

Gene: SYNE2 (spectrin repeat containing nuclear envelope protein 2; plus strand). Cytogenetic location: 14q23.2.
Variant type: single nucleotide variant.
Coding change: c.18394G>A on transcript NM_182914.3 (MANE Select); coding-DNA position 18394, G replaced by A.
Protein change: p.Glu6132Lys; replaces glutamic acid 6132 with lysine.
Molecular consequence: missense variant.
Genome position (GRCh38, 1-based): chr14:64,209,432, G>A. VCF-style: chr14-64209432-G-A. GRCh37 (hg19) VCF-style: chr14-64676150-G-A.
Other names: c.18394G>A, p.Glu6132Lys (NM_015180.6); c.18394G>A (NM_182914.2); short protein forms E6132K.
Identifiers: ClinVar variation 2195598 (VCV002195598.5), dbSNP rs2550089870, ClinGen allele CA389949509.